The following is an entry in ClinVar:

NC_000003.12:g.169764697G>C

Genes: TERC (telomerase RNA component; minus strand), LOC110806306 (telomerase RNA component (TERC) promoter; plus strand). Cytogenetic location: 3q26.2.
Variant type: single nucleotide variant.
Genome position: GRCh38 VCF-style: chr3-169764697-G-C. GRCh37 (hg19) VCF-style: chr3-169482485-G-C.
Identifiers: ClinVar variation 2714419 (VCV002714419.3), dbSNP rs2108182842, ClinGen allele CA436714937.
Genomic context (GRCh38, chr3:169,764,697, plus strand): 5'-CGTCCCACAGCTCAGGGAATCGCGCCGCGCGCGGGGACTCGCTCCGTTCCTCTTCCTGCG[G>C]CCTGAAAGGCCTGAACCTCGCCCTCGCCCCCGAGAGACCCGCGGCTGACAGAGCCCAACT-3'

ClinVar aggregate classification (germline): Uncertain significance (1 of 4 stars; one submission).

Conditions:
Dyskeratosis congenita, autosomal dominant 1 (DKCA1). Also called: Dyskeratosis congenita Scoggins type. Identifiers: Orphanet 1775, MedGen C4551974, MONDO:0007485, OMIM 127550. Inheritance: Variable.

Allele frequency attached by ClinVar (database versions not stated): gnomAD exomes below 0.00001.
gnomAD v4.1: 1 of 760,926 alleles (0.00013%); highest among the groups gnomAD compares: Non-Finnish European, 0.00024%; no homozygotes.

Submission:

Labcorp Genetics (formerly Invitae), Labcorp
Classification: Uncertain significance for Dyskeratosis congenita, autosomal dominant 1. Last evaluated: 2023-10-16. Review status: criteria provided, single submitter. Criteria: Invitae Variant Classification Sherloc (09022015). Collection method: clinical testing. Allele origin: germline.
Comment: This variant occurs in the TERC gene, which encodes an RNA molecule that does not result in a protein product. This variant is not present in population databases (gnomAD no frequency). This variant has not been reported in the literature in individuals affected with TERC-related conditions. This variant is located within the BoxH/ACA scaRNA domain of the TERC RNA component, which is required for telomerase activity (PMID: 21844345). In summary, the available evidence is currently insufficient to determine the role of this variant in disease. Therefore, it has been classified as a Variant of Uncertain Significance.

Literature cited by the submitters: PubMed 21844345.